The following is an entry in ClinVar:

NM_003998.4(NFKB1):c.1484C>T (p.Ala495Val)

Gene: NFKB1 (nuclear factor kappa B subunit 1; plus strand). Cytogenetic location: 4q24.
Variant type: single nucleotide variant.
Coding change: c.1484C>T on transcript NM_003998.4 (MANE Select); coding-DNA position 1484, C replaced by T.
Protein change: p.Ala495Val; replaces alanine 495 with valine.
Molecular consequence: missense variant.
Genome position (GRCh38, 1-based): chr4:102,596,321, C>T. VCF-style: chr4-102596321-C-T. GRCh37 (hg19) VCF-style: chr4-103517478-C-T.
Other names: c.1484C>T (NM_003998.3); c.1481C>T, p.Ala494Val (NM_001165412.2, NM_001319226.2, NM_001382627.1); c.1484C>T, p.Ala495Val (NM_001382625.1, NM_001382626.1); c.1442C>T, p.Ala481Val (NM_001382628.1); short protein forms A495V, A494V, A481V.
Identifiers: ClinVar variation 1358666 (VCV001358666.7), dbSNP rs370018067, ClinGen allele CA3026163.

ClinVar aggregate classification (germline): Uncertain significance. Review status: criteria provided, multiple submitters, no conflicts (2 of 4 stars). 2 submissions from 2 submitters: Uncertain significance (2). Last evaluated 2025-11-18.

Conditions:
Inborn genetic diseases. Identifiers: MedGen C0950123, MeSH D030342.

Allele frequency attached by ClinVar (database versions not stated): gnomAD exomes below 0.00001 and 0.00003; gnomAD 0.00001; ExAC 0.00002; TOPMed 0.00002; ESP Exome Variant Server 0.00015.
gnomAD v4.1: 40 of 1,607,072 alleles (0.0025%); highest among the groups gnomAD compares: Non-Finnish European, 0.0033%; no homozygotes.

Submissions (2):

Labcorp Genetics (formerly Invitae), Labcorp
Classification: Uncertain significance. Last evaluated: 2025-11-18. Review status: criteria provided, single submitter. Criteria: Invitae Variant Classification Sherloc (09022015). Collection method: clinical testing. Allele origin: germline.
Comment: This sequence change replaces alanine, which is neutral and non-polar, with valine, which is neutral and non-polar, at codon 495 of the NFKB1 protein (p.Ala495Val). This variant is present in population databases (rs370018067, gnomAD 0.002%). This variant has not been reported in the literature in individuals affected with NFKB1-related conditions. ClinVar contains an entry for this variant (Variation ID: 1358666). Invitae Evidence Modeling of protein sequence and biophysical properties (such as structural, functional, and spatial information, amino acid conservation, physicochemical variation, residue mobility, and thermodynamic stability) indicates that this missense variant is not expected to disrupt NFKB1 protein function with a negative predictive value of 80%. In summary, the available evidence is currently insufficient to determine the role of this variant in disease. Therefore, it has been classified as a Variant of Uncertain Significance.

Ambry Genetics
Classification: Uncertain significance for Inborn genetic diseases. Last evaluated: 2025-10-02. Review status: criteria provided, single submitter. Criteria: Ambry Variant Classification Scheme 2023. Collection method: clinical testing. Allele origin: germline.